The following is an entry in ClinVar:

ClinVar aggregate classification (germline): Uncertain significance (1 of 4 stars; one submission).

Allele frequency attached by ClinVar (database versions not stated): gnomAD exomes below 0.00001.
gnomAD v4.1: 1 of 1,613,696 alleles (0.000062%); highest among the groups gnomAD compares: Non-Finnish European, 0.000085%; no homozygotes.

Submission:

Labcorp Genetics (formerly Invitae), Labcorp
Classification: Uncertain significance. Last evaluated: 2022-03-12. Review status: criteria provided, single submitter. Criteria: Invitae Variant Classification Sherloc (09022015). Collection method: clinical testing. Allele origin: germline.
Comment: Advanced modeling of protein sequence and biophysical properties (such as structural, functional, and spatial information, amino acid conservation, physicochemical variation, residue mobility, and thermodynamic stability) performed at Invitae indicates that this missense variant is not expected to disrupt NEFH protein function. In summary, the available evidence is currently insufficient to determine the role of this variant in disease. Therefore, it has been classified as a Variant of Uncertain Significance. This variant has not been reported in the literature in individuals affected with NEFH-related conditions. This variant is not present in population databases (gnomAD no frequency). This sequence change replaces proline, which is neutral and non-polar, with serine, which is neutral and polar, at codon 505 of the NEFH protein (p.Pro505Ser).

NM_021076.4(NEFH):c.1513C>T (p.Pro505Ser)

Gene: NEFH (neurofilament heavy chain; plus strand). Cytogenetic location: 22q12.2.
Variant type: single nucleotide variant.
Coding change: c.1513C>T on transcript NM_021076.4 (MANE Select); coding-DNA position 1513, C replaced by T.
Protein change: p.Pro505Ser; replaces proline 505 with serine.
Molecular consequence: missense variant.
Genome position (GRCh38, 1-based): chr22:29,489,153, C>T. VCF-style: chr22-29489153-C-T. GRCh37 (hg19) VCF-style: chr22-29885142-C-T.
Other names: short protein forms P505S.
Identifiers: ClinVar variation 2110463 (VCV002110463.4), dbSNP rs2517976947, ClinGen allele CA411130467.